The following is an entry in ClinVar:

NM_017612.5(ZCCHC8):c.425C>T (p.Pro142Leu)

Gene: ZCCHC8 (zinc finger CCHC-type containing 8; minus strand). Cytogenetic location: 12q24.31.
Variant type: single nucleotide variant.
Coding change: c.425C>T on transcript NM_017612.5 (MANE Select); coding-DNA position 425, C replaced by T.
Protein change: p.Pro142Leu; replaces proline 142 with leucine.
Molecular consequence: missense variant. On other transcripts: 5 prime UTR variant (2).
Genome position (GRCh38, 1-based): chr12:122,489,462, G>A on the plus strand (C>T on the coding strand, the complement: ZCCHC8 is on the minus strand). VCF-style: chr12-122489462-G-A. GRCh37 (hg19) VCF-style: chr12-122974009-G-A.
Other names: c.425C>T, p.Pro142Leu (NM_001350935.2); c.128C>T, p.Pro43Leu (NM_001350936.2); c.-120C>T (NM_001350937.2, NM_001350938.2); c.425C>T (NM_017612.3); short protein forms P142L, P43L.
Identifiers: ClinVar variation 1378058 (VCV001378058.7), dbSNP rs369425709, ClinGen allele CA6846449.
Genomic context (GRCh38, chr12:122,489,462, plus strand): 5'-TTGTTTTTAATGGCACAGGACTCTTCCACTTTGTGGTCCTCCTCTAGCACAATACTGGAT[G>A]GCTAATACAAAGAAAAACACATATTACAACCGGTAACCAATTTTTAACCAGTTTAAATGG-3'
Protein context (NP_060082.2, residues 132-152): EKTSFNLLPQ[Pro142Leu]SSIVLEEDHK

ClinVar aggregate classification (germline): Uncertain significance. Review status: criteria provided, multiple submitters, no conflicts (2 of 4 stars). 2 submissions from 2 submitters: Uncertain significance (2). Last evaluated 2025-11-11.

Allele frequency attached by ClinVar (database versions not stated): ExAC 0.00001; gnomAD 0.00001; gnomAD exomes 0.00001; TOPMed 0.00001; ESP Exome Variant Server 0.00008.
gnomAD v4.1: 22 of 1,613,124 alleles (0.0014%); highest among the groups gnomAD compares: Non-Finnish European, 0.0018%; no homozygotes.

Submissions (2):

Labcorp Genetics (formerly Invitae), Labcorp
Classification: Uncertain significance. Last evaluated: 2025-11-11. Review status: criteria provided, single submitter. Criteria: Invitae Variant Classification Sherloc (09022015). Collection method: clinical testing. Allele origin: germline.
Comment: This sequence change replaces proline, which is neutral and non-polar, with leucine, which is neutral and non-polar, at codon 142 of the ZCCHC8 protein (p.Pro142Leu). This variant is present in population databases (rs369425709, gnomAD 0.004%). This variant has not been reported in the literature in individuals affected with ZCCHC8-related conditions. ClinVar contains an entry for this variant (Variation ID: 1378058). An algorithm developed to predict the effect of missense changes on protein structure and function (PolyPhen-2) suggests that this variant is likely to be tolerated. In summary, the available evidence is currently insufficient to determine the role of this variant in disease. Therefore, it has been classified as a Variant of Uncertain Significance.

Ambry Genetics
Classification: Uncertain significance. Last evaluated: 2021-10-19. Review status: criteria provided, single submitter. Criteria: Ambry Variant Classification Scheme 2023. Collection method: clinical testing. Allele origin: germline.